The following is an entry in ClinVar:

NM_023067.4(FOXL2):c.525G>C (p.Gly175=)

Gene: FOXL2 (forkhead box L2; minus strand). Cytogenetic location: 3q22.3.
Variant type: single nucleotide variant.
Coding change: c.525G>C on transcript NM_023067.4 (MANE Select); coding-DNA position 525, G replaced by C.
Protein change: p.Gly175=; no amino-acid change (glycine 175 retained).
Molecular consequence: synonymous variant.
Genome position (GRCh38, 1-based): chr3:138,946,198, C>G on the plus strand (G>C on the coding strand, the complement: FOXL2 is on the minus strand). VCF-style: chr3-138946198-C-G. GRCh37 (hg19) VCF-style: chr3-138665040-C-G.
Identifiers: ClinVar variation 3357689 (VCV003357689.3).
Genomic context (GRCh38, chr3:138,946,198, plus strand): 5'-CAGGTACTTGGGGGGCGCCAGGTAGCCGTAGCCGTCGGCCCCGGCGCCCGCCACGCCGCA[C>G]CCGCCTGCGGCGCCTCCGGCCCCGAAGAGCCCCTTGCCGGGCTGGAAGTGCGCGGGCGGC-3'
Protein context (NP_075555.1, residues 165-185): GLFGAGGAAG[Gly175=]CGVAGAGADG

ClinVar aggregate classification (germline): Likely benign. Review status: criteria provided, multiple submitters, no conflicts (2 of 4 stars). 3 submissions from 3 submitters: Likely benign (2). 1 of the submissions does not count toward it. Last evaluated 2026-09-01.

Conditions:
FOXL2-related disorder. Also called: FOXL2-related condition.

Submissions (3):

CeGaT Center for Human Genetics Tuebingen
Classification: Likely benign. Last evaluated: 2026-09-01. Review status: criteria provided, single submitter. Criteria: CeGaT Center For Human Genetics Tuebingen Variant Classification Criteria Version 2. Collection method: clinical testing. Allele origin: germline. Affected: yes. Observed: 1 variant allele.
Comment: FOXL2: BP4, BP7

Blueprint Genetics
Classification: Likely benign. Last evaluated: 2024-11-19. Review status: criteria provided, single submitter. Criteria: ACMG Guidelines, 2015. Collection method: clinical testing. Allele origin: germline.

PreventionGenetics, part of Exact Sciences
Classification: Likely benign for FOXL2-related condition. Last evaluated: 2024-09-07. Review status: no assertion criteria provided. Collection method: clinical testing. Allele origin: germline. Not counted in ClinVar's aggregate classification.
Comment: This variant is classified as likely benign based on ACMG/AMP sequence variant interpretation guidelines (Richards et al. 2015 PMID: 25741868, with internal and published modifications).